The following is an entry in ClinVar:

ClinVar aggregate classification (germline): Pathogenic/Likely pathogenic. Review status: criteria provided, multiple submitters, no conflicts (2 of 4 stars). 4 submissions from 4 submitters: Pathogenic (1); Likely pathogenic (1). 2 of the submissions do not count toward it. Last evaluated 2022-09-05.

Conditions:
CFTR-related disorder (CFTR-RD). Also called: CFTR-related disorders; CFTR-related condition. Identifiers: MedGen C5924204, MONDO:7770004.
Cystic fibrosis (CF). Also called: MUCOVISCIDOSIS. Identifiers: Orphanet 586, MedGen C0010674, MONDO:0009061, OMIM 219700. Disease mechanism: loss of function.

Submissions (4):

Institute of Human Genetics, University of Leipzig Medical Center
Classification: Likely pathogenic for Cystic fibrosis. Last evaluated: 2022-09-05. Review status: criteria provided, single submitter. Criteria: ACMG Guidelines, 2015. Collection method: curation. Allele origin: unknown. Affected: yes. Observed: 2 variant alleles.
Comment: This variant was identified in 2 unrelated patients with a clinically confirmed diagnosis of cystic fibrosis. The variant was classified in the context of a project re-classifying variants in the German Cystic Fibrosis Registry (Muko.e.V.). Criteria applied: PVS1, PM2_SUP

ARUP Laboratories, Molecular Genetics and Genomics, ARUP Laboratories
Classification: Pathogenic. Last evaluated: 2017-10-23. Review status: criteria provided, single submitter. Criteria: ARUP Molecular Germline Variant Investigation Process. Collection method: clinical testing. Allele origin: germline.

Natera, Inc.
Classification: Pathogenic for CFTR-related disorders. Last evaluated: 2017-03-17. Review status: no assertion criteria provided. Collection method: clinical testing. Allele origin: germline. Not counted in ClinVar's aggregate classification.

ClinVar Staff, National Center for Biotechnology Information (NCBI)
No classification provided. Condition: CFTR-related disorders. Review status: no classification provided. Collection method: literature only. Allele origin: germline. Affected: yes. Not counted in ClinVar's aggregate classification.

Literature cited by the submitters: PubMed 20059485 (cited by ClinVar Staff, National Center for Biotechnology Information (NCBI)).

NM_000492.4(CFTR):c.3530del (p.Lys1177fs)

Genes: CFTR (CF transmembrane conductance regulator; plus strand), CFTR-AS2 (CFTR antisense RNA 2; minus strand). Cytogenetic location: 7q31.2.
Variant type: Deletion.
Coding change: c.3530del on transcript NM_000492.4 (MANE Select); coding-DNA position 3530, one base deleted (A; older notation c.3530delA).
Protein change: p.Lys1177fs; shifts the reading frame from lysine 1177.
Molecular consequence: frameshift variant.
Genome position (GRCh38, 1-based): chr7:117,627,583, A deleted; the last of 2 consecutive A bases (chr7:117,627,582-117,627,583); deleting either gives the same sequence. VCF-style (leftmost placement, unchanged base first): chr7-117627581-CA-C. GRCh37 (hg19) VCF-style: chr7-117267635-CA-C.
Other names: 3662delA; c.3530delA (NM_000492.3); short protein forms K1177fs.
Identifiers: ClinVar variation 53767 (VCV000053767.10), dbSNP rs397508579, ClinGen allele CA327225.